The following is an entry in ClinVar:

NM_020975.6(RET):c.518C>T (p.Ser173Phe)

Gene: RET (ret proto-oncogene; plus strand). Cytogenetic location: 10q11.21.
Variant type: single nucleotide variant.
Coding change: c.518C>T on transcript NM_020975.6 (MANE Select); coding-DNA position 518, C replaced by T.
Protein change: p.Ser173Phe; replaces serine 173 with phenylalanine.
Molecular consequence: missense variant. On other transcripts: intron variant (15).
Genome position (GRCh38, 1-based): chr10:43,102,522, C>T. VCF-style: chr10-43102522-C-T. GRCh37 (hg19) VCF-style: chr10-43597970-C-T.
Other names: c.518C>T, p.Ser173Phe (NM_001406772.1, NM_001406773.1, NM_001406779.1 and 16 more transcripts); c.389C>T, p.Ser130Phe (NM_001406774.1, NM_001406783.1, NM_001406786.1 and 4 more transcripts); c.337+1800C>T (NM_001406770.1, NM_001406766.1, NM_001406767.1 and 8 more transcripts); c.74-6509C>T (NM_001406784.1); c.74-9577C>T (NM_001406794.1, NM_001406792.1, NM_001406793.1); short protein forms S130F, S173F.
Identifiers: ClinVar variation 3240303 (VCV003240303.2), dbSNP rs368431125.

ClinVar aggregate classification (germline): Uncertain significance. Review status: criteria provided, multiple submitters, no conflicts (2 of 4 stars). 2 submissions from 2 submitters: Uncertain significance (2). Last evaluated 2026-02-27.

Conditions:
Hirschsprung disease, susceptibility to, 1 (HSCR1). Also called: RET-Related Hirschsprung Disease. Identifiers: Orphanet 388, MedGen C3888239, MONDO:0007723, OMIM 142623.
Hereditary cancer-predisposing syndrome. Also called: Tumor predisposition; Hereditary Cancer Syndrome; Hereditary neoplastic syndrome; Neoplastic Syndromes, Hereditary. Identifiers: Orphanet 140162, MedGen C0027672, MeSH D009386, MONDO:0015356.

Allele frequency attached by ClinVar (database versions not stated): ESP Exome Variant Server 0.00008; gnomAD 0.00001; TOPMed 0.00002.
gnomAD v4.1: 2 of 1,614,110 alleles (0.00012%); highest among the groups gnomAD compares: African/African-American, 0.0013%; no homozygotes.

Submissions (2):

Ambry Genetics
Classification: Uncertain significance for Hereditary cancer-predisposing syndrome. Last evaluated: 2026-02-27. Review status: criteria provided, single submitter. Criteria: Ambry Variant Classification Scheme 2023. Collection method: clinical testing. Allele origin: germline.
Comment: The p.S173F variant (also known as c.518C>T), located in coding exon 3 of the RET gene, results from a C to T substitution at nucleotide position 518. The serine at codon 173 is replaced by phenylalanine, an amino acid with highly dissimilar properties. This amino acid position is conserved. In addition, the in silico prediction for this alteration is inconclusive. Based on the available evidence, the clinical significance of this variant remains unclear.

Baylor Genetics
Classification: Uncertain significance for Hirschsprung disease, susceptibility to, 1. Last evaluated: 2024-01-08. Review status: criteria provided, single submitter. Criteria: ACMG Guidelines, 2015. Collection method: clinical testing. Allele origin: unknown.